The following is an entry in ClinVar:

ClinVar aggregate classification (germline): Uncertain significance (1 of 4 stars; one submission).

Allele frequency attached by ClinVar (database versions not stated): gnomAD 0.00001; gnomAD exomes 0.00001; TOPMed 0.00002.
gnomAD v4.1: 5 of 1,614,036 alleles (0.00031%); highest among the groups gnomAD compares: Non-Finnish European, 0.00042%; no homozygotes.

Submission:

Labcorp Genetics (formerly Invitae), Labcorp
Classification: Uncertain significance. Last evaluated: 2025-12-08. Review status: criteria provided, single submitter. Criteria: Invitae Variant Classification Sherloc (09022015). Collection method: clinical testing. Allele origin: germline.
Comment: This sequence change replaces serine, which is neutral and polar, with glycine, which is neutral and non-polar, at codon 3587 of the RNF213 protein (p.Ser3587Gly). This variant is not present in population databases (gnomAD no frequency). This variant has not been reported in the literature in individuals affected with RNF213-related conditions. ClinVar contains an entry for this variant (Variation ID: 1416878). Invitae Evidence Modeling of protein sequence and biophysical properties (such as structural, functional, and spatial information, amino acid conservation, physicochemical variation, residue mobility, and thermodynamic stability) indicates that this missense variant is not expected to disrupt RNF213 protein function with a negative predictive value of 95%. In summary, the available evidence is currently insufficient to determine the role of this variant in disease. Therefore, it has been classified as a Variant of Uncertain Significance.

NM_001256071.3(RNF213):c.10759A>G (p.Ser3587Gly)

Genes: RNF213 (ring finger protein 213; plus strand), RNF213-AS1 (RNF213 antisense RNA 1; minus strand). Cytogenetic location: 17q25.3.
Variant type: single nucleotide variant.
Coding change: c.10759A>G on transcript NM_001256071.3 (MANE Select); coding-DNA position 10759, A replaced by G.
Protein change: p.Ser3587Gly; replaces serine 3587 with glycine.
Molecular consequence: missense variant. On other transcripts: non-coding transcript variant (1).
Genome position (GRCh38, 1-based): chr17:80,354,473, A>G. VCF-style: chr17-80354473-A-G. GRCh37 (hg19) VCF-style: chr17-78328273-A-G.
Other names: short protein forms S3587G.
Identifiers: ClinVar variation 1416878 (VCV001416878.6), dbSNP rs977735877, ClinGen allele CA294917794.